The following is an entry in ClinVar:

ClinVar aggregate classification (germline): Pathogenic/Likely pathogenic. Review status: criteria provided, multiple submitters, no conflicts (2 of 4 stars). 4 submissions from 4 submitters: Pathogenic (1); Likely pathogenic (1). 2 of the submissions do not count toward it. Last evaluated 2024-08-30.

Conditions:
Hereditary fructosuria. Also called: Fructose intolerance; ALDOB DEFICIENCY; ALDOLASE B DEFICIENCY; FRUCTOSE-1,6-BISPHOSPHATE ALDOLASE B DEFICIENCY; FRUCTOSE-1-PHOSPHATE ALDOLASE DEFICIENCY; FRUCTOSEMIA. Identifiers: Orphanet 469, MedGen C0016751, MONDO:0009249, OMIM 229600, HP:0005973. Disease mechanism: loss of function.

gnomAD v4.1: 2 of 1,614,038 alleles (0.00012%); highest among the groups gnomAD compares: South Asian, 0.0022%; no homozygotes.

Submissions (4):

Natera, Inc.
Classification: Pathogenic for Fructose intolerance. Last evaluated: 2024-08-30. Review status: criteria provided, single submitter. Criteria: Natera Variant Classification Schema (03/2026). Collection method: clinical testing. Allele origin: germline.
Comment: The c.380-1G>A variant in ALDOB is a canonical splice acceptor site variant predicted to affect pre-mRNA splicing, which may result in an abnormal transcript and altered protein product. This variant is expected to result in nonsense mediated decay, truncation, or a dysfunctional protein product. This variant is rare in the general population with a frequency below the threshold expected for the associated phenotype(s). This variant has been observed in one or more individuals affected with the associated recessive disease, as either homozygous or compound heterozygous with a second variant (PMID: 25595217). Given the available evidence, this variant is classified as Pathogenic.

Fulgent Genetics
Classification: Likely pathogenic for Hereditary fructosuria. Last evaluated: 2024-01-02. Review status: criteria provided, single submitter. Criteria: ACMG Guidelines, 2015. Collection method: clinical testing. Allele origin: germline.

ATS em Genética Clínica, Universidade Federal do Rio Grande do Sul
Classification: Likely pathogenic for Hereditary fructosuria. Last evaluated: 2021-03-18. Review status: no assertion criteria provided. Collection method: literature only. Allele origin: unknown. Affected: yes. Not counted in ClinVar's aggregate classification.

Counsyl
Classification: Likely pathogenic for Hereditary fructosuria. Last evaluated: 2017-11-14. Review status: no assertion criteria provided. Collection method: clinical testing. Allele origin: unknown. Not counted in ClinVar's aggregate classification.

Literature cited by the submitters: PubMed 25595217 (cited by 3 submitters).

NM_000035.4(ALDOB):c.380-1G>A

Gene: ALDOB (aldolase, fructose-bisphosphate B; minus strand). Cytogenetic location: 9q31.1.
Variant type: single nucleotide variant.
Coding change: c.380-1G>A on transcript NM_000035.4 (MANE Select); the canonical splice acceptor site of the intron before coding-DNA position 380, G replaced by A.
Molecular consequence: splice acceptor variant.
Genome position (GRCh38, 1-based): chr9:101,427,643, C>T on the plus strand (G>A on the coding strand, the complement: ALDOB is on the minus strand). VCF-style: chr9-101427643-C-T. GRCh37 (hg19) VCF-style: chr9-104189925-C-T.
Identifiers: ClinVar variation 553732 (VCV000553732.5), dbSNP rs1554702666, ClinGen allele CA374265487.